The following is an entry in ClinVar:

ClinVar aggregate classification (germline): Conflicting classifications of pathogenicity. Review status: criteria provided, conflicting classifications (1 of 4 stars). 8 submissions from 8 submitters: Uncertain significance (4); Benign (1); Likely benign (2). 1 of the submissions does not count toward it. Last evaluated 2025-05-18.

Conditions:
SOX10-related disorder. Also called: SOX10-related condition.

Allele frequency attached by ClinVar (database versions not stated): TOPMed 0.00014; ESP Exome Variant Server 0.00015; ExAC 0.00017; gnomAD exomes 0.00016; 1000 Genomes Project 30x 0.00031; gnomAD 0.00009 and 0.00010; 1000 Genomes Project 0.00040.
gnomAD v4.1: 252 of 1,611,866 alleles (0.016%); highest among the groups gnomAD compares: Non-Finnish European, 0.019%; 1 homozygote.

Submissions (8):

Mayo Clinic Laboratories, Mayo Clinic
Classification: Uncertain significance. Last evaluated: 2025-05-18. Review status: criteria provided, single submitter. Criteria: ACMG Guidelines, 2015. Collection method: clinical testing. Allele origin: germline. Observed: 1 variant allele.
Comment: BS2

Laboratory of Genetics, Children's Clinical University Hospital Latvia
Classification: Likely benign. Last evaluated: 2025-02-16. Review status: criteria provided, single submitter. Criteria: ACMG Guidelines, 2015. Collection method: clinical testing. Allele origin: germline. Affected: yes.

Labcorp Genetics (formerly Invitae), Labcorp
Classification: Benign. Last evaluated: 2024-10-07. Review status: criteria provided, single submitter. Criteria: Invitae Variant Classification Sherloc (09022015). Collection method: clinical testing. Allele origin: germline.

Blueprint Genetics
Classification: Likely benign. Last evaluated: 2024-07-17. Review status: criteria provided, single submitter. Criteria: ACMG Guidelines, 2015. Collection method: clinical testing. Allele origin: germline.

GeneDx
Classification: Uncertain significance. Last evaluated: 2023-08-22. Review status: criteria provided, single submitter. Criteria: GeneDx Variant Classification Process June 2021. Collection method: clinical testing. Allele origin: germline. Affected: yes.
Comment: In silico analysis, which includes protein predictors and evolutionary conservation, supports that this variant does not alter protein structure/function; Has not been previously published as pathogenic or benign to our knowledge

CeGaT Center for Human Genetics Tuebingen
Classification: Uncertain significance. Last evaluated: 2021-11-01. Review status: criteria provided, single submitter. Criteria: CeGaT Center For Human Genetics Tuebingen Variant Classification Criteria Version 2. Collection method: clinical testing. Allele origin: germline. Affected: yes. Observed: 2 variant alleles.

Eurofins Ntd Llc (ga)
Classification: Uncertain significance. Last evaluated: 2017-01-20. Review status: criteria provided, single submitter. Criteria: EGL Classification Definitions 2015. Collection method: clinical testing. Allele origin: germline. Observed: 1 variant allele, 1 heterozygote.

PreventionGenetics, part of Exact Sciences
Classification: Uncertain significance for SOX10-related condition. Last evaluated: 2024-02-08. Review status: no assertion criteria provided. Collection method: clinical testing. Allele origin: germline. Not counted in ClinVar's aggregate classification.
Comment: The SOX10 c.574G>A variant is predicted to result in the amino acid substitution p.Gly192Ser. To our knowledge, this variant has not been reported in literature. This variant has been reported at a frequency of ~0.022% in individuals of European (Non-Finnish) origin in a large population database and has been reported in ClinVar with conflicting interpretations. Although we suspect that this variant may be benign, at this time, the clinical significance of this variant is uncertain due to the absence of conclusive functional and genetic evidence.

NM_006941.4(SOX10):c.574G>A (p.Gly192Ser)

Genes: POLR2F (RNA polymerase II, I and III subunit F; plus strand), SOX10 (SRY-box transcription factor 10; minus strand). Cytogenetic location: 22q13.1.
Variant type: single nucleotide variant.
Coding change: c.574G>A on transcript NM_006941.4 (MANE Select); coding-DNA position 574, G replaced by A.
Protein change: p.Gly192Ser; replaces glycine 192 with serine.
Molecular consequence: missense variant. On other transcripts: intron variant (3).
Genome position (GRCh38, 1-based): chr22:37,977,990, C>T on the plus strand (G>A on the coding strand, the complement: SOX10 is on the minus strand). VCF-style: chr22-37977990-C-T. GRCh37 (hg19) VCF-style: chr22-38373997-C-T.
Other names: p.Gly192Ser; c.*38+5680C>T (NM_001363825.1); c.294-8164C>T (NM_001301130.2); c.293+10820C>T (NM_001301131.2); short protein forms G192S.
Identifiers: ClinVar variation 499498 (VCV000499498.58), dbSNP rs200475773, ClinGen allele CA10228651.